The following is an entry in ClinVar:

ClinVar aggregate classification (germline): Uncertain significance (1 of 4 stars; one submission).

Conditions:
Cone-rod dystrophy 13 (CORD13). Identifiers: Orphanet 1872, MedGen C2750720, MONDO:0011987, OMIM 608194.
Leber congenital amaurosis 6 (LCA6). Identifiers: Orphanet 65, MedGen C1854260, MONDO:0013446, OMIM 613826.

Allele frequency attached by ClinVar (database versions not stated): gnomAD 0.00001; TOPMed 0.00001; ESP Exome Variant Server 0.00008.
gnomAD v4.1: 1 of 1,590,874 alleles (0.000063%); highest among the groups gnomAD compares: African/African-American, 0.0014%; no homozygotes.

Submission:

Labcorp Genetics (formerly Invitae), Labcorp
Classification: Uncertain significance for Leber congenital amaurosis 6; Cone-rod dystrophy 13. Last evaluated: 2025-04-24. Review status: criteria provided, single submitter. Criteria: Invitae Variant Classification Sherloc (09022015). Collection method: clinical testing. Allele origin: germline.
Comment: This sequence change falls in intron 14 of the RPGRIP1 gene. It does not directly change the encoded amino acid sequence of the RPGRIP1 protein. This variant is not present in population databases (gnomAD no frequency). This variant has not been reported in the literature in individuals affected with RPGRIP1-related conditions. ClinVar contains an entry for this variant (Variation ID: 2158062). Algorithms developed to predict the effect of sequence changes on RNA splicing suggest that this variant may disrupt the consensus splice site. In summary, the available evidence is currently insufficient to determine the role of this variant in disease. Therefore, it has been classified as a Variant of Uncertain Significance.

NM_020366.4(RPGRIP1):c.2216-15C>G

Gene: RPGRIP1 (RPGR interacting protein 1; plus strand). Cytogenetic location: 14q11.2.
Variant type: single nucleotide variant.
Coding change: c.2216-15C>G on transcript NM_020366.4 (MANE Select); 15 bases into the intron before coding-DNA position 2216, C replaced by G.
Molecular consequence: intron variant.
Genome position (GRCh38, 1-based): chr14:21,325,217, C>G. VCF-style: chr14-21325217-C-G. GRCh37 (hg19) VCF-style: chr14-21793376-C-G.
Other names: c.1142-15C>G (NM_001377948.1); c.796+492C>G (NM_001377949.1); c.689-2406C>G (NM_001377523.1, NM_001377950.1); c.191-2406C>G (NM_001377951.1).
Identifiers: ClinVar variation 2158062 (VCV002158062.2), dbSNP rs369733277, ClinGen allele CA257536083.